The following is an entry in ClinVar:

NM_032634.4(PIGO):c.1862C>G (p.Ala621Gly)

Gene: PIGO (phosphatidylinositol glycan anchor biosynthesis class O; minus strand). Cytogenetic location: 9p13.3.
Variant type: single nucleotide variant.
Coding change: c.1862C>G on transcript NM_032634.4 (MANE Select); coding-DNA position 1862, C replaced by G.
Protein change: p.Ala621Gly; replaces alanine 621 with glycine.
Molecular consequence: missense variant. On other transcripts: intron variant (2).
Genome position (GRCh38, 1-based): chr9:35,092,025, G>C on the plus strand (C>G on the coding strand, the complement: PIGO is on the minus strand). VCF-style: chr9-35092025-G-C. GRCh37 (hg19) VCF-style: chr9-35092022-G-C.
Other names: c.1344+518C>G (NM_152850.4, NM_001201484.2); short protein forms A621G.
Identifiers: ClinVar variation 2154796 (VCV002154796.4), dbSNP rs200504486, ClinGen allele CA192711060.

ClinVar aggregate classification (germline): Uncertain significance (1 of 4 stars; one submission).

Conditions:
Hyperphosphatasia with impaired intellectual development syndrome 2. Also called: Hyperphosphatasia with intellectual disability syndrome 2; GLYCOSYLPHOSPHATIDYLINOSITOL BIOSYNTHESIS DEFECT 6. Identifiers: Orphanet 247262, MedGen C3553637, MONDO:0013882, OMIM 614749.

Allele frequency attached by ClinVar (database versions not stated): gnomAD exomes 0.00001.
gnomAD v4.1: 12 of 1,614,218 alleles (0.00074%); highest among the groups gnomAD compares: Non-Finnish European, 0.00085%; no homozygotes.

Submission:

Labcorp Genetics (formerly Invitae), Labcorp
Classification: Uncertain significance for Hyperphosphatasia with impaired intellectual development syndrome 2. Last evaluated: 2023-02-13. Review status: criteria provided, single submitter. Criteria: Invitae Variant Classification Sherloc (09022015). Collection method: clinical testing. Allele origin: germline.
Comment: This sequence change replaces alanine, which is neutral and non-polar, with glycine, which is neutral and non-polar, at codon 621 of the PIGO protein (p.Ala621Gly). This variant is present in population databases (rs200504486, gnomAD 0.0009%). This variant has not been reported in the literature in individuals affected with PIGO-related conditions. Algorithms developed to predict the effect of missense changes on protein structure and function (SIFT, PolyPhen-2, Align-GVGD) all suggest that this variant is likely to be tolerated. In summary, the available evidence is currently insufficient to determine the role of this variant in disease. Therefore, it has been classified as a Variant of Uncertain Significance.